The following is an entry in ClinVar:

ClinVar aggregate classification (germline): Uncertain significance (1 of 4 stars; one submission).

Submission:

GeneDx
Classification: Uncertain significance. Last evaluated: 2025-12-10. Review status: criteria provided, single submitter. Criteria: GeneDx Variant Classification Process June 2021. Collection method: clinical testing. Allele origin: germline.
Comment: In silico analysis supports that this missense variant has a deleterious effect on protein structure/function; Has not been previously published as pathogenic or benign to our knowledge

NM_001395159.1(UNC79):c.6337G>A (p.Ala2113Thr)

Gene: UNC79 (unc-79 subunit of NALCN channel complex; plus strand). Cytogenetic location: 14q32.12.
Variant type: single nucleotide variant.
Coding change: c.6337G>A on transcript NM_001395159.1 (MANE Select); coding-DNA position 6337, G replaced by A.
Protein change: p.Ala2113Thr; replaces alanine 2113 with threonine.
Molecular consequence: missense variant.
Genome position (GRCh38, 1-based): chr14:93,643,657, G>A. VCF-style: chr14-93643657-G-A. GRCh37 (hg19) VCF-style: chr14-94110003-G-A.
Other names: c.6271G>A, p.Ala2091Thr (NM_001346218.2); c.5590G>A, p.Ala1864Thr (NM_020818.5); short protein forms A1864T, A2091T, A2113T.
Identifiers: ClinVar variation 3364382 (VCV003364382.2).